The following is an entry in ClinVar:

NM_005450.6(NOG):c.437A>T (p.Gln146Leu)

Gene: NOG (noggin; plus strand). Cytogenetic location: 17q22.
Variant type: single nucleotide variant.
Coding change: c.437A>T on transcript NM_005450.6 (MANE Select); coding-DNA position 437, A replaced by T.
Protein change: p.Gln146Leu; replaces glutamine 146 with leucine.
Molecular consequence: missense variant.
Genome position (GRCh38, 1-based): chr17:56,594,660, A>T. VCF-style: chr17-56594660-A-T. GRCh37 (hg19) VCF-style: chr17-54672021-A-T.
Other names: c.437A>T (NM_005450.4); short protein forms Q146L.
Identifiers: ClinVar variation 2859600 (VCV002859600.4), dbSNP rs1190751345, ClinGen allele CA399966115.
Genomic context (GRCh38, chr17:56,594,660, plus strand): 5'-CCGAGGGCTTGGCCCAGGGCAAGAAGCAGCGCCTAAGCAAGAAGCTGCGGAGGAAGTTAC[A>T]GATGTGGCTGTGGTCGCAGACATTCTGCCCCGTGCTGTACGCGTGGAACGACCTGGGCAG-3'
Protein context (NP_005441.1, residues 136-156): RLSKKLRRKL[Gln146Leu]MWLWSQTFCP

ClinVar aggregate classification (germline): Uncertain significance. Review status: criteria provided, multiple submitters, no conflicts (2 of 4 stars). 2 submissions from 2 submitters: Uncertain significance (2). Last evaluated 2025-08-04.

Conditions:
Inborn genetic diseases. Identifiers: MedGen C0950123, MeSH D030342.

Allele frequency attached by ClinVar (database versions not stated): TOPMed 0.00001.
gnomAD v4.1: 1 of 1,614,064 alleles (0.000062%); highest among the groups gnomAD compares: Non-Finnish European, 0.000085%; no homozygotes.

Submissions (2):

Ambry Genetics
Classification: Uncertain significance for Inborn genetic diseases. Last evaluated: 2025-08-04. Review status: criteria provided, single submitter. Criteria: Ambry Variant Classification Scheme 2023. Collection method: clinical testing. Allele origin: germline.

Labcorp Genetics (formerly Invitae), Labcorp
Classification: Uncertain significance. Last evaluated: 2024-12-18. Review status: criteria provided, single submitter. Criteria: Invitae Variant Classification Sherloc (09022015). Collection method: clinical testing. Allele origin: germline.
Comment: This sequence change replaces glutamine, which is neutral and polar, with leucine, which is neutral and non-polar, at codon 146 of the NOG protein (p.Gln146Leu). This variant is not present in population databases (gnomAD no frequency). This variant has not been reported in the literature in individuals affected with NOG-related conditions. ClinVar contains an entry for this variant (Variation ID: 2859600). An algorithm developed to predict the effect of missense changes on protein structure and function (PolyPhen-2) suggests that this variant is likely to be disruptive. In summary, the available evidence is currently insufficient to determine the role of this variant in disease. Therefore, it has been classified as a Variant of Uncertain Significance.